The following is an entry in ClinVar:

NM_000092.5(COL4A4):c.3638G>A (p.Gly1213Glu)

Gene: COL4A4 (collagen type IV alpha 4 chain; minus strand). Cytogenetic location: 2q36.3.
Variant type: single nucleotide variant.
Coding change: c.3638G>A on transcript NM_000092.5 (MANE Select); coding-DNA position 3638, G replaced by A.
Protein change: p.Gly1213Glu; replaces glycine 1213 with glutamic acid.
Molecular consequence: missense variant.
Genome position (GRCh38, 1-based): chr2:227,032,216, C>T on the plus strand (G>A on the coding strand, the complement: COL4A4 is on the minus strand). VCF-style: chr2-227032216-C-T. GRCh37 (hg19) VCF-style: chr2-227896932-C-T.
Other names: short protein forms G1213E.
Identifiers: ClinVar variation 1927683 (VCV001927683.6), dbSNP rs1559455617, ClinGen allele CA350837853.

ClinVar aggregate classification (germline): Uncertain significance. Review status: criteria provided, multiple submitters, no conflicts (2 of 4 stars). 2 submissions from 2 submitters: Uncertain significance (2). Last evaluated 2023-10-30.

Submissions (2):

Blueprint Genetics
Classification: Uncertain significance. Last evaluated: 2023-10-30. Review status: criteria provided, single submitter. Criteria: ACMG Guidelines, 2015. Collection method: clinical testing. Allele origin: germline.

Labcorp Genetics (formerly Invitae), Labcorp
Classification: Uncertain significance. Last evaluated: 2022-02-06. Review status: criteria provided, single submitter. Criteria: Invitae Variant Classification Sherloc (09022015). Collection method: clinical testing. Allele origin: germline.
Comment: In summary, the available evidence is currently insufficient to determine the role of this variant in disease. Therefore, it has been classified as a Variant of Uncertain Significance. This sequence change replaces glycine, which is neutral and non-polar, with glutamic acid, which is acidic and polar, at codon 1213 of the COL4A4 protein (p.Gly1213Glu). This variant is not present in population databases (gnomAD no frequency). This variant has not been reported in the literature in individuals affected with COL4A4-related conditions. Advanced modeling of protein sequence and biophysical properties (such as structural, functional, and spatial information, amino acid conservation, physicochemical variation, residue mobility, and thermodynamic stability) performed at Invitae indicates that this missense variant is expected to disrupt COL4A4 protein function.